The following is an entry in ClinVar:

ClinVar aggregate classification (germline): Uncertain significance. Review status: criteria provided, multiple submitters, no conflicts (2 of 4 stars). 2 submissions from 2 submitters: Uncertain significance (2). Last evaluated 2025-01-21.

Conditions:
Inborn genetic diseases. Identifiers: MedGen C0950123, MeSH D030342.

Allele frequency attached by ClinVar (database versions not stated): TOPMed below 0.00001; ExAC 0.00001.
gnomAD v4.1: 2 of 1,613,898 alleles (0.00012%); highest among the groups gnomAD compares: Non-Finnish European, 0.000085%; no homozygotes.

Submissions (2):

Ambry Genetics
Classification: Uncertain significance for Inborn genetic diseases. Last evaluated: 2025-01-21. Review status: criteria provided, single submitter. Criteria: Ambry Variant Classification Scheme 2023. Collection method: clinical testing. Allele origin: germline.
Comment: The p.T1194I variant (also known as c.3581C>T), located in coding exon 1 of the SAMD9L gene, results from a C to T substitution at nucleotide position 3581. The threonine at codon 1194 is replaced by isoleucine, an amino acid with similar properties. This amino acid position is conserved. In addition, this alteration is predicted to be tolerated by in silico analysis. Based on the available evidence, the clinical significance of this variant remains unclear.

Labcorp Genetics (formerly Invitae), Labcorp
Classification: Uncertain significance. Last evaluated: 2024-02-09. Review status: criteria provided, single submitter. Criteria: Invitae Variant Classification Sherloc (09022015). Collection method: clinical testing. Allele origin: germline.
Comment: This sequence change replaces threonine, which is neutral and polar, with isoleucine, which is neutral and non-polar, at codon 1194 of the SAMD9L protein (p.Thr1194Ile). This variant is present in population databases (rs758056645, gnomAD 0.0009%). This variant has not been reported in the literature in individuals affected with SAMD9L-related conditions. Algorithms developed to predict the effect of missense changes on protein structure and function output the following: SIFT: "Not Available"; PolyPhen-2: "Benign"; Align-GVGD: "Not Available". The isoleucine amino acid residue is found in multiple mammalian species, which suggests that this missense change does not adversely affect protein function. In summary, the available evidence is currently insufficient to determine the role of this variant in disease. Therefore, it has been classified as a Variant of Uncertain Significance.

NM_152703.5(SAMD9L):c.3581C>T (p.Thr1194Ile)

Gene: SAMD9L (sterile alpha motif domain containing 9 like; minus strand). Cytogenetic location: 7q21.2.
Variant type: single nucleotide variant.
Coding change: c.3581C>T on transcript NM_152703.5 (MANE Select); coding-DNA position 3581, C replaced by T.
Protein change: p.Thr1194Ile; replaces threonine 1194 with isoleucine.
Molecular consequence: missense variant.
Genome position (GRCh38, 1-based): chr7:93,132,391, G>A on the plus strand (C>T on the coding strand, the complement: SAMD9L is on the minus strand). VCF-style: chr7-93132391-G-A. GRCh37 (hg19) VCF-style: chr7-92761704-G-A.
Other names: c.3581C>T, p.Thr1194Ile (NM_001303496.3, NM_001303497.3, NM_001303498.3 and 5 more transcripts); c.3581C>T (NM_152703.2); short protein forms T1194I.
Identifiers: ClinVar variation 3001523 (VCV003001523.4), dbSNP rs758056645, ClinGen allele CA4343430.